The following is an entry in ClinVar:

ClinVar aggregate classification (germline): Uncertain significance (1 of 4 stars; one submission).

Allele frequency attached by ClinVar (database versions not stated): gnomAD exomes below 0.00001; ExAC 0.00005.
gnomAD v4.1: 1 of 1,535,230 alleles (0.000065%); highest among the groups gnomAD compares: South Asian, 0.0013%; no homozygotes.

Submission:

Labcorp Genetics (formerly Invitae), Labcorp
Classification: Uncertain significance. Last evaluated: 2022-08-09. Review status: criteria provided, single submitter. Criteria: Invitae Variant Classification Sherloc (09022015). Collection method: clinical testing. Allele origin: germline.
Comment: This sequence change replaces isoleucine, which is neutral and non-polar, with threonine, which is neutral and polar, at codon 1162 of the EYS protein (p.Ile1162Thr). This variant is present in population databases (rs747387297, gnomAD 0.006%). This variant has not been reported in the literature in individuals affected with EYS-related conditions. Algorithms developed to predict the effect of missense changes on protein structure and function output the following: SIFT: "Deleterious"; PolyPhen-2: "Probably Damaging"; Align-GVGD: "Class C25". The threonine amino acid residue is found in multiple mammalian species, which suggests that this missense change does not adversely affect protein function. In summary, the available evidence is currently insufficient to determine the role of this variant in disease. Therefore, it has been classified as a Variant of Uncertain Significance.

NM_001142800.2(EYS):c.3485T>C (p.Ile1162Thr)

Gene: EYS (EGF-like photoreceptor maintenance factor; minus strand). Cytogenetic location: 6q12.
Variant type: single nucleotide variant.
Coding change: c.3485T>C on transcript NM_001142800.2 (MANE Select); coding-DNA position 3485, T replaced by C.
Protein change: p.Ile1162Thr; replaces isoleucine 1162 with threonine.
Molecular consequence: missense variant.
Genome position (GRCh38, 1-based): chr6:64,626,204, A>G on the plus strand (T>C on the coding strand, the complement: EYS is on the minus strand). VCF-style: chr6-64626204-A-G. GRCh37 (hg19) VCF-style: chr6-65336097-A-G.
Other names: c.3485T>C, p.Ile1162Thr (NM_001292009.2); short protein forms I1162T.
Identifiers: ClinVar variation 1949320 (VCV001949320.5), dbSNP rs747387297, ClinGen allele CA3877159.
Genomic context (GRCh38, chr6:64,626,204, plus strand): 5'-CCATTGATGTGATCTTCACAGTCTGCACCATGTAGACATGGTGATGAAGAGCATTCATTT[A>G]TATTAATTTCACAAAATTGACCAGAAAATCCAGGAAGACATCTAAGGAAAAAAAATGAAA-3'
Protein context (NP_001136272.1, residues 1152-1172): GFSGQFCEIN[Ile1162Thr]NECSSSPCLH